The following is an entry in ClinVar:

NM_000497.4(CYP11B1):c.124C>G (p.Pro42Ala)

Gene: CYP11B1 (cytochrome P450 family 11 subfamily B member 1; minus strand). Cytogenetic location: 8q24.3.
Variant type: single nucleotide variant.
Coding change: c.124C>G on transcript NM_000497.4 (MANE Select); coding-DNA position 124, C replaced by G.
Protein change: p.Pro42Ala; replaces proline 42 with alanine.
Molecular consequence: missense variant.
Genome position (GRCh38, 1-based): chr8:142,879,690, G>C on the plus strand (C>G on the coding strand, the complement: CYP11B1 is on the minus strand). VCF-style: chr8-142879690-G-C. GRCh37 (hg19) VCF-style: chr8-143961106-G-C.
Other names: c.124C>G, p.Pro42Ala (NM_001026213.1); short protein forms P42A.
Identifiers: ClinVar variation 1347207 (VCV001347207.9), dbSNP rs104894069, ClinGen allele CA372397298.

ClinVar aggregate classification (germline): Conflicting classifications of pathogenicity. Review status: criteria provided, conflicting classifications (1 of 4 stars). 2 submissions from 2 submitters: Likely pathogenic (1); Uncertain significance (1). Last evaluated 2026-05-06.

Conditions:
Deficiency of steroid 11-beta-monooxygenase (CYP11B1). Also called: ADRENAL HYPERPLASIA IV; ADRENAL HYPERPLASIA, CONGENITAL, DUE TO STEROID 11-BETA-HYDROXYLASE DEFICIENCY; 11-BETA-HYDROXYLASE DEFICIENCY; P450C11B1 DEFICIENCY; STEROID 11-BETA-HYDROXYLASE DEFICIENCY; Congenital adrenal hyperplasia due to 11-beta-hydroxylase deficiency. Identifiers: Orphanet 90795, MedGen C0268292, MONDO:0008729, OMIM 202010. Disease mechanism: loss of function.

Submissions (2):

Myriad Genetics, Inc.
Classification: Uncertain significance for Deficiency of steroid 11-beta-monooxygenase. Last evaluated: 2026-05-06. Review status: criteria provided, single submitter. Criteria: Myriad Autosomal Dominant, Autosomal Recessive and X-Linked Classification Criteria (2023). Collection method: clinical testing. Allele origin: unknown.
Comment: NM_000497.3(CYP11B1):c.124C>G(P42A) is a missense variant classified as a variant of uncertain significance in the context of congenital adrenal hyperplasia, CYP11B1-related. P42A has not been observed in cases with relevant disease. Relevant functional assessments of this variant are not available in the literature. P42A has not been observed in referenced population frequency databases. In summary, there is insufficient evidence to classify NM_000497.3(CYP11B1):c.124C>G(P42A) as pathogenic or benign. Please note: this variant was assessed in the context of healthy population screening.

Labcorp Genetics (formerly Invitae), Labcorp
Classification: Likely pathogenic. Last evaluated: 2021-03-12. Review status: criteria provided, single submitter. Criteria: Invitae Variant Classification Sherloc (09022015). Collection method: clinical testing. Allele origin: germline.
Comment: In summary, the currently available evidence indicates that the variant is pathogenic, but additional data are needed to prove that conclusively. Therefore, this variant has been classified as Likely Pathogenic. This variant disrupts the p.Pro42 amino acid residue in CYP11B1. Other variant(s) that disrupt this residue have been determined to be pathogenic (PMID: 9302260, 26053152, Invitae). This suggests that this residue is clinically significant, and that variants that disrupt this residue are likely to be disease-causing. Advanced modeling of protein sequence and biophysical properties (such as structural, functional, and spatial information, amino acid conservation, physicochemical variation, residue mobility, and thermodynamic stability) performed at Invitae indicates that this missense variant is expected to disrupt CYP11B1 protein function. This variant has not been reported in the literature in individuals with CYP11B1-related conditions. This variant is not present in population databases (ExAC no frequency). This sequence change replaces proline with alanine at codon 42 of the CYP11B1 protein (p.Pro42Ala). The proline residue is moderately conserved and there is a small physicochemical difference between proline and alanine.

Literature cited by the submitters: PubMed 9302260 (cited by Labcorp Genetics (formerly Invitae), Labcorp); PubMed 26053152 (cited by Labcorp Genetics (formerly Invitae), Labcorp).